The following is an entry in ClinVar:

NM_005663.5(NELFA):c.1335C>T (p.Phe445=)

Gene: NELFA (negative elongation factor complex member A; minus strand). Cytogenetic location: 4p16.3.
Variant type: single nucleotide variant.
Coding change: c.1335C>T on transcript NM_005663.5 (MANE Select); coding-DNA position 1335, C replaced by T.
Protein change: p.Phe445=; no amino-acid change (phenylalanine 445 retained).
Molecular consequence: synonymous variant.
Genome position (GRCh38, 1-based): chr4:1,983,663, G>A on the plus strand (C>T on the coding strand, the complement: NELFA is on the minus strand). VCF-style: chr4-1983663-G-A. GRCh37 (hg19) VCF-style: chr4-1985390-G-A.
Identifiers: ClinVar variation 710318 (VCV000710318.29), dbSNP rs2234575, ClinGen allele CA2813101.

ClinVar aggregate classification (germline): Benign/Likely benign. Review status: criteria provided, multiple submitters, no conflicts (2 of 4 stars). 3 submissions from 3 submitters: Benign (2); Likely benign (1). Last evaluated 2023-10-01.

Allele frequency attached by ClinVar (database versions not stated): 1000 Genomes Project 30x 0.00265; 1000 Genomes Project 0.00280; gnomAD 0.00390 and 0.00391; TOPMed 0.00434; gnomAD exomes 0.00486; ExAC 0.00505; ESP Exome Variant Server 0.00538.
gnomAD v4.1: 9,176 of 1,614,046 alleles (0.57%); highest among the groups gnomAD compares: Middle Eastern, 0.68%; 36 homozygotes.

Submissions (3):

CeGaT Center for Human Genetics Tuebingen
Classification: Likely benign. Last evaluated: 2023-10-01. Review status: criteria provided, single submitter. Criteria: CeGaT Center For Human Genetics Tuebingen Variant Classification Criteria Version 2. Collection method: clinical testing. Allele origin: germline. Affected: yes. Observed: 1 variant allele.
Comment: NELFA: BP4, BS2

Labcorp Genetics (formerly Invitae), Labcorp
Classification: Benign. Last evaluated: 2019-12-31. Review status: criteria provided, single submitter. Criteria: Invitae Variant Classification Sherloc (09022015). Collection method: clinical testing. Allele origin: germline.

Breakthrough Genomics
Classification: Benign. Review status: criteria provided, single submitter. Criteria: ACMG Guidelines, 2015. Collection method: not provided. Allele origin: germline. Inheritance: Unknown mechanism. Affected: yes.